The following is an entry in ClinVar:

NM_000152.5(GAA):c.318_323dup (p.Gly107_Cys108dup)

Gene: GAA (alpha glucosidase; plus strand). Cytogenetic location: 17q25.3.
Variant type: Duplication.
Coding change: c.318_323dup on transcript NM_000152.5 (MANE Select); coding-DNA positions 318 to 323, 6 bases duplicated (CGGCTG; older notation c.318_323dupCGGCTG).
Protein change: p.Gly107_Cys108dup.
Molecular consequence: inframe insertion.
Genome position (GRCh38, 1-based): chr17:80,104,904-80,104,909, CGGCTG duplicated; duplicating any 6 consecutive bases within chr17:80,104,903-80,104,909 gives the same sequence; the c. name uses the placement nearest the transcript's 3' end. VCF-style (leftmost placement, unchanged base first): chr17-80104902-C-CGCGGCT. GRCh37 (hg19) VCF-style: chr17-78078701-C-CGCGGCT.
Other names: c.318_323dup, p.Gly107_Cys108dup (NM_001079803.3, NM_001079804.3).
Identifiers: ClinVar variation 1501354 (VCV001501354.6), dbSNP rs2143827403, ClinGen allele CA2573154941.

ClinVar aggregate classification (germline): Uncertain significance (1 of 4 stars; one submission).

Conditions:
Glycogen storage disease, type II (IOPD). Also called: Glucosidase acid-1,4-alpha deficiency; Pompe Disease; GLYCOGENOSIS, GENERALIZED, CARDIAC FORM; GSD II; POMPE DISEASE, INFANTILE-ONSET; GLYCOGEN STORAGE DISEASE II, INFANTILE-ONSET. Identifiers: Orphanet 365, MedGen C0017921, MONDO:0009290, OMIM 232300.

Submission:

Labcorp Genetics (formerly Invitae), Labcorp
Classification: Uncertain significance for Glycogen storage disease, type II. Last evaluated: 2021-09-24. Review status: criteria provided, single submitter. Criteria: Invitae Variant Classification Sherloc (09022015). Collection method: clinical testing. Allele origin: germline.
Comment: In summary, the available evidence is currently insufficient to determine the role of this variant in disease. Therefore, it has been classified as a Variant of Uncertain Significance. Experimental studies and prediction algorithms are not available or were not evaluated, and the functional significance of this variant is currently unknown. This variant has been observed in individual(s) with Pompe disease (Invitae). In at least one individual the data is consistent with the variant being in trans (on the opposite chromosome) from a pathogenic variant. This variant is not present in population databases (ExAC no frequency). This variant, c.318_323dup, results in the insertion of 2 amino acid(s) to the GAA protein (p.Gly107_Cys108dup), but otherwise preserves the integrity of the reading frame.